The following is an entry in ClinVar:

ClinVar aggregate classification (germline): Pathogenic (1 of 4 stars; one submission).

Conditions:
Lysinuric protein intolerance (LPI). Identifiers: Orphanet 470, MedGen C0268647, MONDO:0009109, OMIM 222700.

Submission:

Labcorp Genetics (formerly Invitae), Labcorp
Classification: Pathogenic for Lysinuric protein intolerance. Last evaluated: 2024-06-10. Review status: criteria provided, single submitter. Criteria: Invitae Variant Classification Sherloc (09022015). Collection method: clinical testing. Allele origin: germline.
Comment: This sequence change creates a premature translational stop signal (p.Thr212Ilefs*65) in the SLC7A7 gene. It is expected to result in an absent or disrupted protein product. Loss-of-function variants in SLC7A7 are known to be pathogenic (PMID: 10631139, 17764084). This variant is not present in population databases (gnomAD no frequency). This variant has not been reported in the literature in individuals affected with SLC7A7-related conditions. For these reasons, this variant has been classified as Pathogenic.

Literature cited by the submitters: PubMed 10631139; PubMed 17764084.

NM_003982.4(SLC7A7):c.635del (p.Thr212fs)

Gene: SLC7A7 (solute carrier family 7 member 7; minus strand). Cytogenetic location: 14q11.2.
Variant type: Deletion.
Coding change: c.635del on transcript NM_003982.4 (MANE Select); coding-DNA position 635, one base deleted (C; older notation c.635delC).
Protein change: p.Thr212fs; shifts the reading frame from threonine 212.
Molecular consequence: frameshift variant.
Genome position (GRCh38, 1-based): chr14:22,778,928, G deleted on the plus strand (C on the coding strand, the reverse complement: SLC7A7 is on the minus strand). VCF-style (leftmost placement, unchanged base first): chr14-22778927-AG-A. GRCh37 (hg19) VCF-style: chr14-23248136-AG-A.
Other names: c.635del, p.Thr212fs (NM_001126105.3, NM_001126106.4); short protein forms T212fs.
Identifiers: ClinVar variation 3632027 (VCV003632027.2).